The following is an entry in ClinVar:

NM_002524.5(NRAS):c.423C>G (p.Phe141Leu)

Gene: NRAS (NRAS proto-oncogene, GTPase; minus strand). Cytogenetic location: 1p13.2.
Variant type: single nucleotide variant.
Coding change: c.423C>G on transcript NM_002524.5 (MANE Select); coding-DNA position 423, C replaced by G.
Protein change: p.Phe141Leu; replaces phenylalanine 141 with leucine.
Molecular consequence: missense variant.
Genome position (GRCh38, 1-based): chr1:114,709,596, G>C on the plus strand (C>G on the coding strand, the complement: NRAS is on the minus strand). VCF-style: chr1-114709596-G-C. GRCh37 (hg19) VCF-style: chr1-115252217-G-C.
Other names: short protein forms F141L.
Identifiers: ClinVar variation 3347892 (VCV003347892.1).

ClinVar aggregate classification (germline): Uncertain significance (0 of 4 stars; one submission).

Conditions:
NRAS-related disorder. Also called: NRAS-related condition.

Submission:

PreventionGenetics, part of Exact Sciences
Classification: Uncertain significance for NRAS-related condition. Last evaluated: 2024-06-03. Review status: no assertion criteria provided. Collection method: clinical testing. Allele origin: germline.
Comment: The NRAS c.423C>G variant is predicted to result in the amino acid substitution p.Phe141Leu. To our knowledge, this variant has not been reported as a germline variant in the literature or in a large population database, indicating this variant is rare. At this time, the clinical significance of this variant is uncertain due to the absence of conclusive functional and genetic evidence.